The following is an entry in ClinVar:

NM_019844.4(SLCO1B3):c.1679T>C (p.Val560Ala)

Genes: SLCO1B3 (solute carrier organic anion transporter family member 1B3; plus strand), SLCO1B3-SLCO1B7 (SLCO1B3-SLCO1B7 readthrough; plus strand). Cytogenetic location: 12p12.2.
Variant type: single nucleotide variant.
Coding change: c.1679T>C on transcript NM_019844.4 (MANE Select); coding-DNA position 1679, T replaced by C.
Protein change: p.Val560Ala; replaces valine 560 with alanine.
Molecular consequence: missense variant.
Genome position (GRCh38, 1-based): chr12:20,883,599, T>C. VCF-style: chr12-20883599-T-C. GRCh37 (hg19) VCF-style: chr12-21036533-T-C.
Other names: c.1679T>C, p.Val560Ala (NM_001371097.1); c.1595T>C, p.Val532Ala (NM_001349920.2); short protein forms V560A, V532A.
Identifiers: ClinVar variation 722875 (VCV000722875.22), dbSNP rs12299012, ClinGen allele CA6475647.

ClinVar aggregate classification (germline): Conflicting classifications of pathogenicity. Review status: criteria provided, conflicting classifications (1 of 4 stars). 3 submissions from 3 submitters: Uncertain significance (1); Benign (1); Likely benign (1). Last evaluated 2024-01-11.

Conditions:
Rotor syndrome (HBLRR). Also called: HYPERBILIRUBINEMIA, ROTOR TYPE, DIGENIC; HYPERBILIRUBINEMIA, ROTOR TYPE. Identifiers: Orphanet 3111, MedGen C0220991, MONDO:0009379, OMIM 237450.

Allele frequency attached by ClinVar (database versions not stated): gnomAD exomes 0.00066 and 0.00159; ExAC 0.00219; 1000 Genomes Project 0.00639; 1000 Genomes Project 30x 0.00656; gnomAD 0.00744 and 0.00802; TOPMed 0.00827; ESP Exome Variant Server 0.00877.
gnomAD v4.1: 2,103 of 1,580,944 alleles (0.13%); highest among the groups gnomAD compares: African/African-American, 2.6%; 29 homozygotes.

Submissions (3):

ARUP Laboratories, Molecular Genetics and Genomics, ARUP Laboratories
Classification: Uncertain significance for Rotor syndrome. Last evaluated: 2024-01-11. Review status: criteria provided, single submitter. Criteria: ARUP Molecular Germline Variant Investigation Process 2024. Collection method: clinical testing. Allele origin: germline.

Labcorp Genetics (formerly Invitae), Labcorp
Classification: Benign. Last evaluated: 2018-03-01. Review status: criteria provided, single submitter. Criteria: Invitae Variant Classification Sherloc (09022015). Collection method: clinical testing. Allele origin: germline.

Illumina Laboratory Services, Illumina
Classification: Likely benign for Rotor syndrome. Last evaluated: 2017-04-27. Review status: criteria provided, single submitter. Criteria: ICSL Variant Classification Criteria 13 December 2019. Collection method: clinical testing. Allele origin: germline.
Comment: This variant was observed as part of a predisposition screen in an ostensibly healthy population. A literature search was performed for the gene, cDNA change, and amino acid change (where applicable). Publications were found based on this search. The evidence from the literature, in combination with allele frequency data from public databases where available, was sufficient to determine this variant is unlikely to cause disease. Therefore, this variant is classified as likely benign.

Literature cited by the submitters: PubMed 21278621 (cited by Illumina Laboratory Services, Illumina).